The following is an entry in ClinVar:

NM_000132.4(F8):c.6485C>T (p.Pro2162Leu)

Gene: F8 (coagulation factor VIII; minus strand). Cytogenetic location: Xq28.
Variant type: single nucleotide variant.
Coding change: c.6485C>T on transcript NM_000132.4 (MANE Select); coding-DNA position 6485, C replaced by T.
Protein change: p.Pro2162Leu; replaces proline 2162 with leucine.
Molecular consequence: missense variant.
Genome position (GRCh38, 1-based): chrX:154,863,172, G>A on the plus strand (C>T on the coding strand, the complement: F8 is on the minus strand). VCF-style: chrX-154863172-G-A. GRCh37 (hg19) VCF-style: chrX-154091447-G-A.
Other names: c.80C>T, p.Pro27Leu (NM_019863.3); short protein forms P2162L, P27L.
Identifiers: ClinVar variation 2428622 (VCV002428622.4), dbSNP rs1450770782, ClinGen allele CA414907641.
Genomic context (GRCh38, chrX:154,863,172, plus strand): 5'-CGAAGAGTGCTGCGAATGCTATAATGAGTTGGGTGCAAACGGATGTATCGAGCAATAATT[G>A]GAGGGTTAAAAATATTGTGTTTTATCCCAGATGAATCCACATTGCCAAAGAAGACCTGTA-3'
Protein context (NP_000123.1, residues 2152-2172): SGIKHNIFNP[Pro2162Leu]IIARYIRLHP

ClinVar aggregate classification (germline): Likely pathogenic (1 of 4 stars; one submission).

Allele frequency attached by ClinVar (database versions not stated): TOPMed 0.00003.

Submission:

ARUP Laboratories, Molecular Genetics and Genomics, ARUP Laboratories
Classification: Likely pathogenic. Last evaluated: 2023-06-01. Review status: criteria provided, single submitter. Criteria: ARUP Molecular Germline Variant Investigation Process 2024. Collection method: clinical testing. Allele origin: germline.
Comment: The F8 c.6485C>T; p.Pro2162Leu variant (rs1450770782), also known as p.2143C>T, is reported in the literature in individuals affected with moderate and severe hemophilia A (Boekhorst 2005, Hill 2005, Johnsen 2017). However, this variant is not found in ClinVar and is absent from the Genome Aggregation Database, indicating is not a common polymorphism. The proline at codon 2162 is highly conserved, and computational analyses predict that this variant is deleterious (REVEL: 0.978). Based on available information, this variant is considered to be likely pathogenic. References: Boekhorst J et al. Thirteen novel mutations in the factor VIII gene in the Nijmegen haemophilia A patient population. Br J Haematol. 2005 Oct;131(1):109-17. PMID: 16173970 Hill M et al. Mutation analysis in 51 patients with haemophilia A: report of 10 novel mutations and correlations between genotype and clinical phenotype. Haemophilia. 2005 Mar;11(2):133-41. PMID: 15810915 Johnsen JM et al. Novel approach to genetic analysis and results in 3000 hemophilia patients enrolled in the My Life, Our Future initiative. Blood Adv. 2017 May 18;1(13):824-834. PMID: 29296726